The following is an entry in ClinVar:

NM_000089.4(COL1A2):c.958G>T (p.Ala320Ser)

Gene: COL1A2 (collagen type I alpha 2 chain; plus strand). Cytogenetic location: 7q21.3.
Variant type: single nucleotide variant.
Coding change: c.958G>T on transcript NM_000089.4 (MANE Select); coding-DNA position 958, G replaced by T.
Protein change: p.Ala320Ser; replaces alanine 320 with serine.
Molecular consequence: missense variant.
Genome position (GRCh38, 1-based): chr7:94,409,744, G>T. VCF-style: chr7-94409744-G-T. GRCh37 (hg19) VCF-style: chr7-94039056-G-T.
Other names: short protein forms A320S.
Identifiers: ClinVar variation 3392710 (VCV003392710.1).

ClinVar aggregate classification (germline): Uncertain significance (1 of 4 stars; one submission).

Submission:

GeneDx
Classification: Uncertain significance. Last evaluated: 2024-06-25. Review status: criteria provided, single submitter. Criteria: GeneDx Variant Classification Process June 2021. Collection method: clinical testing. Allele origin: germline. Affected: yes.
Comment: Has not been previously published as pathogenic or benign to our knowledge; Not observed at significant frequency in large population cohorts (gnomAD); In silico analysis indicates that this missense variant does not alter protein structure/function